The following is an entry in ClinVar:

NM_206933.4(USH2A):c.13019G>A (p.Gly4340Glu)

Gene: USH2A (usherin; minus strand). Cytogenetic location: 1q41.
Variant type: single nucleotide variant.
Coding change: c.13019G>A on transcript NM_206933.4 (MANE Select); coding-DNA position 13019, G replaced by A.
Protein change: p.Gly4340Glu; replaces glycine 4340 with glutamic acid.
Molecular consequence: missense variant.
Genome position (GRCh38, 1-based): chr1:215,674,892, C>T on the plus strand (G>A on the coding strand, the complement: USH2A is on the minus strand). VCF-style: chr1-215674892-C-T. GRCh37 (hg19) VCF-style: chr1-215848234-C-T.
Other names: short protein forms G4340E.
Identifiers: ClinVar variation 2742552 (VCV002742552.3), dbSNP rs1419157426, ClinGen allele CA344847805.

ClinVar aggregate classification (germline): Likely pathogenic (1 of 4 stars; one submission).

Allele frequency attached by ClinVar (database versions not stated): gnomAD exomes below 0.00001.
gnomAD v4.1: 2 of 1,614,150 alleles (0.00012%); highest among the groups gnomAD compares: African/African-American, 0.0013%; no homozygotes.

Submission:

Labcorp Genetics (formerly Invitae), Labcorp
Classification: Likely pathogenic. Last evaluated: 2023-12-11. Review status: criteria provided, single submitter. Criteria: Invitae Variant Classification Sherloc (09022015). Collection method: clinical testing. Allele origin: germline.
Comment: This sequence change replaces glycine, which is neutral and non-polar, with glutamic acid, which is acidic and polar, at codon 4340 of the USH2A protein (p.Gly4340Glu). This variant is present in population databases (no rsID available, gnomAD 0.007%). This variant has not been reported in the literature in individuals affected with USH2A-related conditions. Advanced modeling of protein sequence and biophysical properties (such as structural, functional, and spatial information, amino acid conservation, physicochemical variation, residue mobility, and thermodynamic stability) performed at Invitae indicates that this missense variant is expected to disrupt USH2A protein function with a positive predictive value of 95%. This variant disrupts the p.Gly4340 amino acid residue in USH2A. Other variant(s) that disrupt this residue have been determined to be pathogenic (PMID: 27460420, 30073356). This suggests that this residue is clinically significant, and that variants that disrupt this residue are likely to be disease-causing. In summary, the currently available evidence indicates that the variant is pathogenic, but additional data are needed to prove that conclusively. Therefore, this variant has been classified as Likely Pathogenic.

Literature cited by the submitters: PubMed 27460420; PubMed 30073356.